The following is an entry in ClinVar:

NM_007194.4(CHEK2):c.502A>G (p.Thr168Ala)

Gene: CHEK2 (checkpoint kinase 2; minus strand). Cytogenetic location: 22q12.1.
Variant type: single nucleotide variant.
Coding change: c.502A>G on transcript NM_007194.4 (MANE Select); coding-DNA position 502, A replaced by G.
Protein change: p.Thr168Ala; replaces threonine 168 with alanine.
Molecular consequence: missense variant. On other transcripts: 5 prime UTR variant (2), intron variant (1).
Genome position (GRCh38, 1-based): chr22:28,725,067, T>C on the plus strand (A>G on the coding strand, the complement: CHEK2 is on the minus strand). VCF-style: chr22-28725067-T-C. GRCh37 (hg19) VCF-style: chr22-29121055-T-C.
Other names: c.631A>G, p.Thr211Ala (NM_001005735.3, NM_001438294.1); c.-276A>G (NM_001257387.3); c.-162A>G (NM_001437942.1); c.595A>G, p.Thr199Ala (NM_001438293.1, NM_001438295.1); c.502A>G, p.Thr168Ala (NM_145862.3); c.445-144A>G (NM_001349956.3); short protein forms T211A, T168A, T199A.
Identifiers: ClinVar variation 825385 (VCV000825385.16), dbSNP rs1601823689, ClinGen allele CA411107452.

ClinVar aggregate classification (germline): Uncertain significance. Review status: criteria provided, multiple submitters, no conflicts (2 of 4 stars). 3 submissions from 3 submitters: Uncertain significance (3). Last evaluated 2024-11-06.

Conditions:
Familial cancer of breast. Also called: BREAST CANCER, FAMILIAL; Hereditary breast cancer; hereditary breast carcinoma. Identifiers: Orphanet 227535, MedGen C0346153, MONDO:0016419, OMIM 114480. Disease mechanism: loss of function.
Hereditary cancer-predisposing syndrome. Also called: Neoplastic Syndromes, Hereditary; Tumor predisposition; Hereditary neoplastic syndrome; Hereditary Cancer Syndrome. Identifiers: Orphanet 140162, MedGen C0027672, MeSH D009386, MONDO:0015356.

Submissions (3):

Ambry Genetics
Classification: Uncertain significance for Hereditary cancer-predisposing syndrome. Last evaluated: 2024-11-06. Review status: criteria provided, single submitter. Criteria: Ambry Variant Classification Scheme 2023. Collection method: clinical testing. Allele origin: germline.
Comment: The p.T168A variant (also known as c.502A>G), located in coding exon 3 of the CHEK2 gene, results from an A to G substitution at nucleotide position 502. The threonine at codon 168 is replaced by alanine, an amino acid with similar properties. This nucleotide position is highly conserved in available vertebrate species. This amino acid position is highly conserved in available vertebrate species. In addition, this alteration is predicted to be deleterious by in silico analysis. Based on the available evidence, the clinical significance of this variant remains unclear.

Labcorp Genetics (formerly Invitae), Labcorp
Classification: Uncertain significance for Familial cancer of breast. Last evaluated: 2023-11-23. Review status: criteria provided, single submitter. Criteria: Invitae Variant Classification Sherloc (09022015). Collection method: clinical testing. Allele origin: germline.
Comment: This sequence change replaces threonine, which is neutral and polar, with alanine, which is neutral and non-polar, at codon 168 of the CHEK2 protein (p.Thr168Ala). This variant is not present in population databases (gnomAD no frequency). This variant has not been reported in the literature in individuals affected with CHEK2-related conditions. ClinVar contains an entry for this variant (Variation ID: 825385). An algorithm developed to predict the effect of missense changes on protein structure and function (PolyPhen-2) suggests that this variant is likely to be disruptive. In summary, the available evidence is currently insufficient to determine the role of this variant in disease. Therefore, it has been classified as a Variant of Uncertain Significance.

Baylor Genetics
Classification: Uncertain significance for Familial cancer of breast. Last evaluated: 2023-10-20. Review status: criteria provided, single submitter. Criteria: ACMG Guidelines, 2015. Collection method: clinical testing. Allele origin: unknown.